The following is an entry in ClinVar:

NM_005751.5(AKAP9):c.11098-13T>G

Gene: AKAP9 (A-kinase anchoring protein 9; plus strand). Cytogenetic location: 7q21.2.
Variant type: single nucleotide variant.
Coding change: c.11098-13T>G on transcript NM_005751.5 (MANE Select); 13 bases into the intron before coding-DNA position 11098, T replaced by G.
Molecular consequence: intron variant.
Genome position (GRCh38, 1-based): chr7:92,102,581, T>G. VCF-style: chr7-92102581-T-G. GRCh37 (hg19) VCF-style: chr7-91731895-T-G.
Other names: c.11074-13T>G (NM_147185.3); c.5743-13T>G (NM_001379277.1).
Identifiers: ClinVar variation 1217251 (VCV001217251.16), dbSNP rs76709221, ClinGen allele CA4338091.

ClinVar aggregate classification (germline): Benign/Likely benign. Review status: criteria provided, multiple submitters, no conflicts (2 of 4 stars). 7 submissions from 7 submitters: Benign (6); Likely benign (1). Last evaluated 2026-01-15.

Conditions:
Long QT syndrome 11 (LQT11). Identifiers: Orphanet 101016, Orphanet 768, MedGen C2678483, MONDO:0012738, OMIM 611820.
Long QT syndrome (LQTS). Identifiers: MedGen C0023976, MeSH D008133, MONDO:0002442. Disease mechanism: loss of function. Inheritance: Various modes of inheritance.

Allele frequency attached by ClinVar (database versions not stated): gnomAD exomes 0.00021 and 0.00057; ExAC 0.00071; gnomAD 0.00214 and 0.00235; ESP Exome Variant Server 0.00223; TOPMed 0.00260; 1000 Genomes Project 0.00280; 1000 Genomes Project 30x 0.00297.
gnomAD v4.1: 643 of 1,609,134 alleles (0.04%); highest among the groups gnomAD compares: African/African-American, 0.76%; 2 homozygotes.

Submissions (9):

Labcorp Genetics (formerly Invitae), Labcorp
Classification: Benign for Long QT syndrome. Last evaluated: 2026-01-15. Review status: criteria provided, single submitter. Criteria: Invitae Variant Classification Sherloc (09022015). Collection method: clinical testing. Allele origin: germline.

Blueprint Genetics
Classification: Benign. Last evaluated: 2024-08-21. Review status: criteria provided, single submitter. Criteria: ACMG Guidelines, 2015. Collection method: clinical testing. Allele origin: germline.

Genome-Nilou Lab
Classification: Benign for Long QT syndrome 11. Last evaluated: 2021-12-05. Review status: criteria provided, single submitter. Criteria: ACMG Guidelines, 2015. Collection method: clinical testing. Allele origin: germline. Affected: no.

Women's Health and Genetics/Laboratory Corporation of America, LabCorp
Classification: Benign. Last evaluated: 2021-08-05. Review status: criteria provided, single submitter. Criteria: LabCorp Variant Classification Summary - May 2015. Collection method: clinical testing. Allele origin: germline.
Comment: Variant summary: AKAP9 c.11098-13T>G alters a non-conserved nucleotide located close to a canonical splice site and therefore could affect mRNA splicing, leading to a significantly altered protein sequence. Several computational tools predict a significant impact on normal splicing: two predict the variant abolishes a 3 prime acceptor site; one predict the variant weakens a 3 prime acceptor site. However, these predictions have yet to be confirmed by functional studies. The variant allele was found at a frequency of 0.00057 in 250704 control chromosomes. The observed variant frequency is approximately 171 fold of the estimated maximal expected allele frequency for a pathogenic variant in AKAP9 causing Long QT Syndrome phenotype (3.3e-06), strongly suggesting that the variant is benign. To our knowledge, no occurrence of c.11098-13T>G in individuals affected with Long QT Syndrome and no experimental evidence demonstrating its impact on protein function have been reported. No clinical diagnostic laboratories have submitted clinical-significance assessments for this variant to ClinVar after 2014. Based on the evidence outlined above, the variant was classified as benign.

Fulgent Genetics
Classification: Likely benign for Long QT syndrome 11. Last evaluated: 2021-07-23. Review status: criteria provided, single submitter. Criteria: ACMG Guidelines, 2015. Collection method: clinical testing. Allele origin: unknown.

GeneDx
Classification: Benign. Last evaluated: 2015-03-03. Review status: criteria provided, single submitter. Criteria: GeneDx Variant Classification Process June 2021. Collection method: clinical testing. Allele origin: germline. Affected: yes.

Breakthrough Genomics
Classification: Benign. Review status: criteria provided, single submitter. Criteria: ACMG Guidelines, 2015. Collection method: not provided. Allele origin: germline. Inheritance: Autosomal dominant inheritance. Affected: yes.

Dr. Peter K. Rogan Lab, Western University
No classification provided (evidence only). Condition: Uterine corpus endometrial carcinoma. Review status: no classification provided. Collection method: in vitro. Allele origin: not applicable. Functional consequence: skipped exon, retained intron. Not counted in ClinVar's aggregate classification.

Dr. Peter K. Rogan Lab, Western University
No classification provided (evidence only). Condition: Sarcoma. Review status: no classification provided. Collection method: in vitro. Allele origin: not applicable. Functional consequence: retained intron. Not counted in ClinVar's aggregate classification.